The following is an entry in ClinVar:

NM_001378120.1(MBD5):c.4963-11C>T

Gene: MBD5 (methyl-CpG binding domain protein 5; plus strand). Cytogenetic location: 2q23.1.
Variant type: single nucleotide variant.
Coding change: c.4963-11C>T on transcript NM_001378120.1 (MANE Select); 11 bases into the intron before coding-DNA position 4963, C replaced by T.
Molecular consequence: intron variant.
Genome position (GRCh38, 1-based): chr2:148,502,425, C>T. VCF-style: chr2-148502425-C-T. GRCh37 (hg19) VCF-style: chr2-149259994-C-T.
Other names: c.4264-11C>T (NM_018328.5).
Identifiers: ClinVar variation 206056 (VCV000206056.10), dbSNP rs147291009, ClinGen allele CA315769.

ClinVar aggregate classification (germline): Benign/Likely benign. Review status: criteria provided, multiple submitters, no conflicts (2 of 4 stars). 3 submissions from 3 submitters: Benign (1); Likely benign (2). Last evaluated 2025-10-20.

Conditions:
Intellectual developmental disorder, autosomal dominant 1. Also called: Intellectual disability, autosomal dominant 1; MBD5 Haploinsufficiency. Identifiers: Orphanet 228402, MedGen C1969562, MONDO:0007974, OMIM 156200.

Allele frequency attached by ClinVar (database versions not stated): ExAC 0.00006; ESP Exome Variant Server 0.00008; gnomAD exomes 0.00012 and 0.00025; gnomAD 0.00014 and 0.00015; TOPMed 0.00015; 1000 Genomes Project 30x 0.00016; 1000 Genomes Project 0.00020.
gnomAD v4.1: 367 of 1,613,674 alleles (0.023%); highest among the groups gnomAD compares: Non-Finnish European, 0.031%; no homozygotes.

Submissions (3):

Labcorp Genetics (formerly Invitae), Labcorp
Classification: Likely benign for Intellectual developmental disorder, autosomal dominant 1. Last evaluated: 2025-10-20. Review status: criteria provided, single submitter. Criteria: Invitae Variant Classification Sherloc (09022015). Collection method: clinical testing. Allele origin: germline.

Blueprint Genetics
Classification: Likely benign. Last evaluated: 2023-08-15. Review status: criteria provided, single submitter. Criteria: ACMG Guidelines, 2015. Collection method: clinical testing. Allele origin: germline.

GeneDx
Classification: Benign. Last evaluated: 2014-09-29. Review status: criteria provided, single submitter. Criteria: GeneDx Variant Classification (06012015). Collection method: clinical testing. Allele origin: germline. Affected: yes.
Comment: This variant is considered likely benign or benign based on one or more of the following criteria: it is a conservative change, it occurs at a poorly conserved position in the protein, it is predicted to be benign by multiple in silico algorithms, and/or has population frequency not consistent with disease.